The following is an entry in ClinVar:

NM_005475.3(SH2B3):c.1450T>C (p.Trp484Arg)

Gene: SH2B3 (SH2B adaptor protein 3; plus strand). Cytogenetic location: 12q24.12.
Variant type: single nucleotide variant.
Coding change: c.1450T>C on transcript NM_005475.3 (MANE Select); coding-DNA position 1450, T replaced by C.
Protein change: p.Trp484Arg; replaces tryptophan 484 with arginine.
Molecular consequence: missense variant.
Genome position (GRCh38, 1-based): chr12:111,448,024, T>C. VCF-style: chr12-111448024-T-C. GRCh37 (hg19) VCF-style: chr12-111885828-T-C.
Other names: c.844T>C, p.Trp282Arg (NM_001291424.1); short protein forms W282R, W484R.
Identifiers: ClinVar variation 4163920 (VCV004163920.1).

ClinVar aggregate classification (germline): Uncertain significance (1 of 4 stars; one submission).

Conditions:
Inborn genetic diseases. Identifiers: MedGen C0950123, MeSH D030342.

Submission:

Ambry Genetics
Classification: Uncertain significance for Inborn genetic diseases. Last evaluated: 2025-06-28. Review status: criteria provided, single submitter. Criteria: Ambry Variant Classification Scheme 2023. Collection method: clinical testing. Allele origin: germline.
Comment: The p.W484R variant (also known as c.1450T>C), located in coding exon 7 of the SH2B3 gene, results from a T to C substitution at nucleotide position 1450. The tryptophan at codon 484 is replaced by arginine, an amino acid with dissimilar properties. This amino acid position is conserved. In addition, the in silico prediction for this alteration is inconclusive. Based on the available evidence, the clinical significance of this variant remains unclear.